The following is an entry in ClinVar:

ClinVar aggregate classification (germline): Uncertain significance (1 of 4 stars; one submission).

gnomAD v4.1: 1 of 1,549,222 alleles (0.000065%); highest among the groups gnomAD compares: Admixed American, 0.002%; no homozygotes.

Submission:

Women's Health and Genetics/Laboratory Corporation of America, LabCorp
Classification: Uncertain significance. Last evaluated: 2025-12-02. Review status: criteria provided, single submitter. Criteria: LabCorp Variant Classification Summary - May 2015. Collection method: clinical testing. Allele origin: germline.
Comment: Variant summary: PIEZO1 c.4605C>G (p.His1535Gln) results in a non-conservative amino acid change in the encoded protein sequence. Algorithms developed to predict the effect of missense changes on protein structure and function are either unavailable or do not agree on the potential impact of this missense change. The variant allele was found at a frequency of 6.6e-06 in 151120 control chromosomes. The available data on variant occurrences in the general population are insufficient to allow any conclusion about variant significance. To our knowledge, no occurrence of c.4605C>G in individuals affected with PIEZO1-related conditions and no experimental evidence demonstrating its impact on protein function have been reported. No submitters have cited clinical-significance assessments for this variant to ClinVar. Based on the evidence outlined above, the variant was classified as uncertain significance.

NM_001142864.4(PIEZO1):c.4605C>G (p.His1535Gln)

Gene: PIEZO1 (piezo type mechanosensitive ion channel component 1 (Er blood group); minus strand). Cytogenetic location: 16q24.3.
Variant type: single nucleotide variant.
Coding change: c.4605C>G on transcript NM_001142864.4 (MANE Select); coding-DNA position 4605, C replaced by G.
Protein change: p.His1535Gln; replaces histidine 1535 with glutamine.
Molecular consequence: missense variant.
Genome position (GRCh38, 1-based): chr16:88,722,900, G>C on the plus strand (C>G on the coding strand, the complement: PIEZO1 is on the minus strand). VCF-style: chr16-88722900-G-C. GRCh37 (hg19) VCF-style: chr16-88789308-G-C.
Other names: short protein forms H1535Q.
Identifiers: ClinVar variation 4688653 (VCV004688653.1).